The following is an entry in ClinVar:

NM_020822.3(KCNT1):c.675+4G>A

Gene: KCNT1 (potassium sodium-activated channel subfamily T member 1; plus strand). Cytogenetic location: 9q34.3.
Variant type: single nucleotide variant.
Coding change: c.675+4G>A on transcript NM_020822.3 (MANE Select); 4 bases into the intron after coding-DNA position 675, G replaced by A.
Molecular consequence: intron variant.
Genome position (GRCh38, 1-based): chr9:135,757,234, G>A. VCF-style: chr9-135757234-G-A. GRCh37 (hg19) VCF-style: chr9-138649080-G-A.
Other names: c.531+4G>A (NM_001272003.2).
Identifiers: ClinVar variation 3749735 (VCV003749735.2).
Genomic context (GRCh38, chr9:135,757,234, plus strand): 5'-ATCTTCCGCGTGTCCTTCGTCCTGGAGATGATCAACACTCTGCCCTTCATCATCACGGTG[G>A]GTGAGCCCCAGCTGCCAGGAGTGCGGGCCCTGGAGCCCCAGCCCTGACCTGTCCCCTTCA-3'

ClinVar aggregate classification (germline): Uncertain significance (1 of 4 stars; one submission).

Conditions:
Autosomal dominant nocturnal frontal lobe epilepsy 5. Also called: KCNT1-Related Epilepsy; CILIARY DYSKINESIA, PRIMARY, 28, WITHOUT SITUS INVERSUS; CILIARY DYSKINESIA, PRIMARY, 28, WITH SITUS INVERSUS; Epilepsy, nocturnal frontal lobe, 5. Identifiers: Orphanet 98784, MedGen C3554306, MONDO:0014002, OMIM 615005.
Developmental and epileptic encephalopathy, 14 (DEE14). Also called: Early infantile epileptic encephalopathy 14. Identifiers: Orphanet 293181, MedGen C3554195, MONDO:0013989, OMIM 614959.

Submission:

Labcorp Genetics (formerly Invitae), Labcorp
Classification: Uncertain significance for Autosomal dominant nocturnal frontal lobe epilepsy 5; Developmental and epileptic encephalopathy, 14. Last evaluated: 2024-12-10. Review status: criteria provided, single submitter. Criteria: Invitae Variant Classification Sherloc (09022015). Collection method: clinical testing. Allele origin: germline.
Comment: This sequence change falls in intron 8 of the KCNT1 gene. It does not directly change the encoded amino acid sequence of the KCNT1 protein. It affects a nucleotide within the consensus splice site. This variant is not present in population databases (gnomAD no frequency). This variant has not been reported in the literature in individuals affected with KCNT1-related conditions. Variants that disrupt the consensus splice site are a relatively common cause of aberrant splicing (PMID: 17576681, 9536098). Algorithms developed to predict the effect of sequence changes on RNA splicing suggest that this variant is not likely to affect RNA splicing. In summary, the available evidence is currently insufficient to determine the role of this variant in disease. Therefore, it has been classified as a Variant of Uncertain Significance.

Literature cited by the submitters: PubMed 17576681; PubMed 9536098.